The following is an entry in ClinVar:

ClinVar aggregate classification (germline): Uncertain significance (1 of 4 stars; one submission).

Conditions:
Mitochondrial complex IV deficiency, nuclear type 23 (MC4DN23). Identifiers: MedGen C5830322, MONDO:0859520, OMIM 620275.

Submission:

Neuberg Centre For Genomic Medicine, NCGM
Classification: Uncertain significance for Mitochondrial complex IV deficiency, nuclear type 23. Review status: criteria provided, single submitter. Criteria: ACMG Guidelines, 2015. Collection method: clinical testing. Allele origin: germline. Inheritance: Autosomal recessive inheritance. Affected: yes.
Comment: The observed missense c.758A>T (p.Asp253Val) variant in COX11 gene has not been reported previously as a pathogenic variant nor as a benign variant, to our knowledge. The p.Asp253Val variant is absent in gnomAD Exomes. This variant has not been submitted to the ClinVar database. Multiple lines of computational evidence (Polyphen - Probably Damaging, SIFT - Damaging and MutationTaster - Disease Causing) predict damaging effect on protein structure and function for this variant. The reference amino acid of p.Asp253Val in COX11 is predicted as conserved by GERP++ and PhyloP across 100 vertebrates. The amino acid Asp at position 253 is changed to a Val changing protein sequence and it might alter its composition and physico-chemical properties. For these reasons, this variant has been classified as a Variant of Uncertain Significance (VUS).

NM_004375.5(COX11):c.758A>T (p.Asp253Val)

Gene: COX11 (cytochrome c oxidase copper chaperone COX11; minus strand). Cytogenetic location: 17q22.
Variant type: single nucleotide variant.
Coding change: c.758A>T on transcript NM_004375.5 (MANE Select); coding-DNA position 758, A replaced by T.
Protein change: p.Asp253Val; replaces aspartic acid 253 with valine.
Molecular consequence: missense variant. On other transcripts: non-coding transcript variant (1), intron variant (2).
Genome position (GRCh38, 1-based): chr17:54,962,806, T>A on the plus strand (A>T on the coding strand, the complement: COX11 is on the minus strand). VCF-style: chr17-54962806-T-A. GRCh37 (hg19) VCF-style: chr17-53040167-T-A.
Other names: c.648+500A>T (NM_001162862.2, NM_001162861.2); short protein forms D253V.
Identifiers: ClinVar variation 3377604 (VCV003377604.1).
Genomic context (GRCh38, chr17:54,962,806, plus strand): 5'-GGAACTGGCAACTTGTGCCCTTCCTTTGCTTCAAAAAAAGTGTAAGAAAGAGTGATAAGA[T>A]CAACTTTAATCATTCTTGGATCTTCAGCAAATTCAGGATCAATGTAGAAAAACACTGGCA-3'
Protein context (NP_004366.1, residues 243-263): FAEDPRMIKV[Asp253Val]LITLSYTFFE